The following is an entry in ClinVar:

NM_001002295.2(GATA3):c.*1066C>T

Gene: GATA3 (GATA binding protein 3; plus strand). Cytogenetic location: 10p14.
Variant type: single nucleotide variant.
Coding change: c.*1066C>T on transcript NM_001002295.2 (MANE Select); 1066 bases downstream of the stop codon, C replaced by T.
Molecular consequence: 3 prime UTR variant.
Genome position (GRCh38, 1-based): chr10:8,075,089, C>T. VCF-style: chr10-8075089-C-T. GRCh37 (hg19) VCF-style: chr10-8117052-C-T.
Other names: c.*1066C>T (NM_002051.3).
Identifiers: ClinVar variation 301150 (VCV000301150.5), dbSNP rs11255509, ClinGen allele CA10632579.

ClinVar aggregate classification (germline): Benign (1 of 4 stars; one submission).

Conditions:
Hypoparathyroidism, deafness, renal disease syndrome (HDRS). Also called: HYPOPARATHYROIDISM, SENSORINEURAL DEAFNESS, AND RENAL DYSPLASIA SYNDROME. Identifiers: Orphanet 2237, MedGen C1840333, MONDO:0007797, OMIM 146255.

Allele frequency attached by ClinVar (database versions not stated): gnomAD exomes 0.00479; TOPMed 0.02342; gnomAD 0.02420; 1000 Genomes Project 0.02716; 1000 Genomes Project 30x 0.02998.
gnomAD v4.1: 3,828 of 233,138 alleles (1.6%); highest among the groups gnomAD compares: African/African-American, 7.8%; 145 homozygotes.

Submission:

Illumina Laboratory Services, Illumina
Classification: Benign for Hypoparathyroidism, deafness, renal disease syndrome. Last evaluated: 2018-01-12. Review status: criteria provided, single submitter. Criteria: ICSL Variant Classification Criteria 13 December 2019. Collection method: clinical testing. Allele origin: germline.
Comment: This variant was observed in the ICSL laboratory as part of a predisposition screen in an ostensibly healthy population. It had not been previously curated by ICSL or reported in the Human Gene Mutation Database (HGMD: prior to June 1st, 2018), and was therefore a candidate for classification through an automated scoring system. Utilizing variant allele frequency, disease prevalence and penetrance estimates, and inheritance mode, an automated score was calculated to assess if this variant is too frequent to cause the disease. Based on the score and internal cut-off values, a variant classified as benign is not then subjected to further curation. The score for this variant resulted in a classification of benign for this disease.